The following is an entry in ClinVar:

ClinVar aggregate classification (germline): Likely benign. Review status: criteria provided, multiple submitters, no conflicts (2 of 4 stars). 2 submissions from 2 submitters: Likely benign (2). Last evaluated 2024-10-18.

Conditions:
Hereditary leiomyomatosis and renal cell cancer. Also called: Familial leiomyomatosis; FH tumor predisposition syndrome; MULTIPLE CUTANEOUS AND UTERINE LEIOMYOMATA 1, WITH OR WITHOUT RENAL CELL CARCINOMA; LEIOMYOMA, MULTIPLE CUTANEOUS; Reed syndrome; Multiple cutaneous and uterine leiomyomatosis. Identifiers: Orphanet 523, MedGen C1708350, MONDO:0007888, OMIM 150800, HP:0007437. Disease mechanism: loss of function.

Submissions (2):

Myriad Genetics, Inc.
Classification: Likely benign for Hereditary leiomyomatosis and renal cell cancer. Last evaluated: 2024-10-18. Review status: criteria provided, single submitter. Criteria: Myriad Autosomal Dominant, Autosomal Recessive and X-Linked Classification Criteria (2023). Collection method: clinical testing. Allele origin: unknown.
Comment: This variant is considered likely benign. This variant is intronic and is not expected to impact mRNA splicing.

Labcorp Genetics (formerly Invitae), Labcorp
Classification: Likely benign. Last evaluated: 2024-08-04. Review status: criteria provided, single submitter. Criteria: Invitae Variant Classification Sherloc (09022015). Collection method: clinical testing. Allele origin: germline.

NM_000143.4(FH):c.738+7G>C

Gene: FH (fumarate hydratase; minus strand). Cytogenetic location: 1q43.
Variant type: single nucleotide variant.
Coding change: c.738+7G>C on transcript NM_000143.4 (MANE Select); 7 bases into the intron after coding-DNA position 738, G replaced by C.
Molecular consequence: intron variant.
Genome position (GRCh38, 1-based): chr1:241,508,596, C>G on the plus strand (G>C on the coding strand, the complement: FH is on the minus strand). VCF-style: chr1-241508596-C-G. GRCh37 (hg19) VCF-style: chr1-241671896-C-G.
Identifiers: ClinVar variation 2899252 (VCV002899252.4), dbSNP rs2527327030, ClinGen allele CA2739274045.